The following is an entry in ClinVar:

ClinVar aggregate classification (germline): Uncertain significance (1 of 4 stars; one submission).

Conditions:
Cardiovascular phenotype. Identifiers: MedGen CN230736.

gnomAD v4.1: 10 of 1,613,580 alleles (0.00062%); highest among the groups gnomAD compares: Admixed American, 0.0017%; no homozygotes.

Submission:

Ambry Genetics
Classification: Uncertain significance for Cardiovascular phenotype. Last evaluated: 2020-02-21. Review status: criteria provided, single submitter. Criteria: Ambry Variant Classification Scheme 2023. Collection method: clinical testing. Allele origin: germline.
Comment: The p.I14860T variant (also known as c.44579T>C), located in coding exon 153 of the TTN gene, results from a T to C substitution at nucleotide position 44579. The isoleucine at codon 14860 is replaced by threonine, an amino acid with similar properties. This amino acid position is not well conserved in available vertebrate species. In addition, this alteration is predicted to be tolerated by in silico analysis. Since supporting evidence is limited at this time, the clinical significance of this alteration remains unclear.

NM_001267550.2(TTN):c.71774T>C (p.Ile23925Thr)

Genes: TTN (titin; minus strand), TTN-AS1 (TTN antisense RNA 1; plus strand). Cytogenetic location: 2q31.2.
Variant type: single nucleotide variant.
Coding change: c.71774T>C on transcript NM_001267550.2 (MANE Select); coding-DNA position 71774, T replaced by C.
Protein change: p.Ile23925Thr; replaces isoleucine 23925 with threonine.
Molecular consequence: missense variant.
Genome position (GRCh38, 1-based): chr2:178,574,358, A>G on the plus strand (T>C on the coding strand, the complement: TTN is on the minus strand). VCF-style: chr2-178574358-A-G. GRCh37 (hg19) VCF-style: chr2-179439085-A-G.
Other names: c.66851T>C, p.Ile22284Thr (NM_001256850.1); c.44579T>C, p.Ile14860Thr (NM_003319.4); c.64070T>C, p.Ile21357Thr (NM_133378.4); c.44954T>C, p.Ile14985Thr (NM_133432.3); c.45155T>C, p.Ile15052Thr (NM_133437.4); short protein forms I22284T, I14860T, I21357T, I14985T, I15052T, I23925T.
Identifiers: ClinVar variation 1740736 (VCV001740736.2), dbSNP rs374887185, ClinGen allele CA1990585.
Genomic context (GRCh38, chr2:178,574,358, plus strand): 5'-CATTTAAGTGTTACTGTGTGTCTTGTAATATTTAGAGGTACTGGTTTTCCAGGTGGGTCA[A>G]TGGGATCCAGAGCCAACATAGGTTCTGATGGCTTGCTTGGCTTACTTTTGCCTGCCATGT-3'
Protein context (NP_001254479.2, residues 23915-23935): PSEPMLALDP[Ile23925Thr]DPPGKPVPLN